The following is an entry in ClinVar:

NM_001111125.3(IQSEC2):c.2758A>G (p.Asn920Asp)

Gene: IQSEC2 (IQ motif and Sec7 domain ArfGEF 2; minus strand). Cytogenetic location: Xp11.22.
Variant type: single nucleotide variant.
Coding change: c.2758A>G on transcript NM_001111125.3 (MANE Select); coding-DNA position 2758, A replaced by G.
Protein change: p.Asn920Asp; replaces asparagine 920 with aspartic acid.
Molecular consequence: missense variant.
Genome position (GRCh38, 1-based): chrX:53,243,463, T>C on the plus strand (A>G on the coding strand, the complement: IQSEC2 is on the minus strand). VCF-style: chrX-53243463-T-C. GRCh37 (hg19) VCF-style: chrX-53272645-T-C.
Other names: c.2758A>G, p.Asn920Asp (NM_001410736.1); c.2143A>G, p.Asn715Asp (NM_015075.2); short protein forms N920D, N715D.
Identifiers: ClinVar variation 2837460 (VCV002837460.3), dbSNP rs2519746843, ClinGen allele CA413154444.
Genomic context (GRCh38, chrX:53,243,463, plus strand): 5'-CACGCCCCTGGATGCGCTGGTAGATGCCCACCAGGAGGTCTCGGGGGATGTCTTCACCAT[T>C]GTCAACCCCTGGGGGAGGGAGTAACACAGGGATATGTCACATAATTATGGGCACTGGGTG-3'
Protein context (NP_001104595.1, residues 910-930): DFIKNLRGVD[Asn920Asp]GEDIPRDLLV

ClinVar aggregate classification (germline): Uncertain significance (1 of 4 stars; one submission).

Conditions:
Intellectual developmental disorder, X-linked 1. Also called: Atkin Flaitz Patil Smith syndrome; Intellectual disability, X-linked 1; MENTAL RETARDATION, X-LINKED 18; MENTAL RETARDATION, X-LINKED 78. Identifiers: Orphanet 777, MedGen C2931498, MONDO:0010656, OMIM 309530.

Submission:

Labcorp Genetics (formerly Invitae), Labcorp
Classification: Uncertain significance for Intellectual developmental disorder, X-linked 1. Last evaluated: 2023-02-14. Review status: criteria provided, single submitter. Criteria: Invitae Variant Classification Sherloc (09022015). Collection method: clinical testing. Allele origin: germline.
Comment: In summary, the available evidence is currently insufficient to determine the role of this variant in disease. Therefore, it has been classified as a Variant of Uncertain Significance. Advanced modeling of protein sequence and biophysical properties (such as structural, functional, and spatial information, amino acid conservation, physicochemical variation, residue mobility, and thermodynamic stability) performed at Invitae indicates that this missense variant is not expected to disrupt IQSEC2 protein function. This variant has not been reported in the literature in individuals affected with IQSEC2-related conditions. This variant is not present in population databases (gnomAD no frequency). This sequence change replaces asparagine, which is neutral and polar, with aspartic acid, which is acidic and polar, at codon 920 of the IQSEC2 protein (p.Asn920Asp).